The following is an entry in ClinVar:

NM_001382391.1(CSPP1):c.450del (p.Ser150fs)

Gene: CSPP1 (centrosome and spindle pole associated protein 1; plus strand). Cytogenetic location: 8q13.1.
Variant type: Deletion.
Coding change: c.450del on transcript NM_001382391.1 (MANE Select); coding-DNA position 450, one base deleted (T; older notation c.450delT).
Protein change: p.Ser150fs; shifts the reading frame from serine 150.
Molecular consequence: frameshift variant. On other transcripts: 5 prime UTR variant (1).
Genome position (GRCh38, 1-based): chr8:67,093,608, T deleted. VCF-style (leftmost placement, unchanged base first): chr8-67093607-GT-G. GRCh37 (hg19) VCF-style: chr8-68005842-GT-G.
Other names: c.-406del (NM_001291339.2); c.369del, p.Ser123fs (NM_001363131.2, NM_001363133.2); c.450del, p.Ser150fs (NM_001363132.2); c.558del, p.Ser186fs (NM_001364869.1); c.477del, p.Ser159fs (NM_001364870.1); c.477delT, p.Ser159Argfs (NM_024790.7); short protein forms S123fs, S150fs, S159fs, S186fs.
Identifiers: ClinVar variation 3769609 (VCV003769609.1).

ClinVar aggregate classification (germline): Pathogenic (1 of 4 stars; one submission).

Conditions:
Dandy-Walker malformation. Also called: Dandy-Walker cyst. Identifiers: MedGen C2931867, HP:0001305.

Submission:

Clinical Genetics Laboratory, Skane University Hospital Lund
Classification: Pathogenic for Dandy-Walker malformation. Last evaluated: 2024-10-24. Review status: criteria provided, single submitter. Criteria: ACMG Guidelines, 2015. Collection method: clinical testing. Allele origin: biparental. Inheritance: Autosomal recessive inheritance. Affected: yes.
Comment: ACMG criteria used: PVS1, PM2, PM3_Supporting